The following is an entry in ClinVar:

ClinVar aggregate classification (germline): Uncertain significance (1 of 4 stars; one submission).

Allele frequency attached by ClinVar (database versions not stated): TOPMed below 0.00001.

Submission:

GeneDx
Classification: Uncertain significance. Last evaluated: 2019-11-25. Review status: criteria provided, single submitter. Criteria: GeneDx Variant Classification Process June 2021. Collection method: clinical testing. Allele origin: germline. Affected: yes.
Comment: Not observed in large population cohorts (Lek et al., 2016); In silico analysis, which includes protein predictors and evolutionary conservation, supports a deleterious effect; Has not been previously published as pathogenic or benign to our knowledge

NM_024665.7(TBL1XR1):c.473C>T (p.Pro158Leu)

Gene: TBL1XR1 (TBL1X/Y related 1; minus strand). Cytogenetic location: 3q26.32.
Variant type: single nucleotide variant.
Coding change: c.473C>T on transcript NM_024665.7 (MANE Select); coding-DNA position 473, C replaced by T.
Protein change: p.Pro158Leu; replaces proline 158 with leucine.
Molecular consequence: missense variant.
Genome position (GRCh38, 1-based): chr3:177,050,565, G>A on the plus strand (C>T on the coding strand, the complement: TBL1XR1 is on the minus strand). VCF-style: chr3-177050565-G-A. GRCh37 (hg19) VCF-style: chr3-176768353-G-A.
Other names: c.473C>T, p.Pro158Leu (NM_001321193.3, NM_001321194.3, NM_001374327.1 and 2 more transcripts); c.212C>T, p.Pro71Leu (NM_001321195.3, NM_001374330.1); short protein forms P158L, P71L.
Identifiers: ClinVar variation 1310592 (VCV001310592.2), dbSNP rs1716923885, ClinGen allele CA355552907.